The following is an entry in ClinVar:

ClinVar aggregate classification (germline): Uncertain significance. Review status: criteria provided, multiple submitters, no conflicts (2 of 4 stars). 2 submissions from 2 submitters: Uncertain significance (2). Last evaluated 2026-06-05.

Conditions:
Mitochondrial complex II deficiency, nuclear type 1. Also called: SUCCINATE CoQ REDUCTASE DEFICIENCY. Identifiers: Orphanet 3208, MedGen C5700310, MONDO:0100294, OMIM 252011.
Pheochromocytoma/paraganglioma syndrome 5. Also called: Paragangliomas 5; SDHA-Related Hereditary Paraganglioma-Pheochromocytoma Syndrome. Identifiers: Orphanet 29072, MedGen C3279992, MONDO:0013602, OMIM 614165.
Hereditary cancer-predisposing syndrome. Also called: Tumor predisposition; Hereditary Cancer Syndrome; Hereditary neoplastic syndrome; Neoplastic Syndromes, Hereditary. Identifiers: Orphanet 140162, MedGen C0027672, MeSH D009386, MONDO:0015356.

Submissions (2):

Ambry Genetics
Classification: Uncertain significance for Hereditary cancer-predisposing syndrome. Last evaluated: 2026-06-05. Review status: criteria provided, single submitter. Criteria: Ambry Variant Classification Scheme 2023. Collection method: clinical testing. Allele origin: germline.
Comment: The p.S177I variant (also known as c.530G>T), located in coding exon 5 of the SDHA gene, results from a G to T substitution at nucleotide position 530. The serine at codon 177 is replaced by isoleucine, an amino acid with dissimilar properties. This amino acid position is highly conserved in available vertebrate species. In addition, this alteration is predicted to be deleterious by in silico analysis. Based on the available evidence, the clinical significance of this variant remains unclear.

Labcorp Genetics (formerly Invitae), Labcorp
Classification: Uncertain significance for Pheochromocytoma/paraganglioma syndrome 5; Mitochondrial complex II deficiency, nuclear type 1. Last evaluated: 2025-10-08. Review status: criteria provided, single submitter. Criteria: Invitae Variant Classification Sherloc (09022015). Collection method: clinical testing. Allele origin: germline.
Comment: This sequence change replaces serine, which is neutral and polar, with isoleucine, which is neutral and non-polar, at codon 177 of the SDHA protein (p.Ser177Ile). This variant is not present in population databases (gnomAD no frequency). This variant has not been reported in the literature in individuals affected with SDHA-related conditions. ClinVar contains an entry for this variant (Variation ID: 1942474). Invitae Evidence Modeling of protein sequence and biophysical properties (such as structural, functional, and spatial information, amino acid conservation, physicochemical variation, residue mobility, and thermodynamic stability) has been performed for this missense variant. However, the output from this modeling did not meet the statistical confidence thresholds required to predict the impact of this variant on SDHA protein function. In summary, the available evidence is currently insufficient to determine the role of this variant in disease. Therefore, it has been classified as a Variant of Uncertain Significance.

NM_004168.4(SDHA):c.530G>T (p.Ser177Ile)

Gene: SDHA (succinate dehydrogenase complex flavoprotein subunit A; plus strand). Cytogenetic location: 5p15.33.
Variant type: single nucleotide variant.
Coding change: c.530G>T on transcript NM_004168.4 (MANE Select); coding-DNA position 530, G replaced by T.
Protein change: p.Ser177Ile; replaces serine 177 with isoleucine.
Molecular consequence: missense variant.
Genome position (GRCh38, 1-based): chr5:225,956, G>T. VCF-style: chr5-225956-G-T. GRCh37 (hg19) VCF-style: chr5-226071-G-T.
Other names: c.386G>T, p.Ser129Ile (NM_001294332.2); c.530G>T, p.Ser177Ile (NM_001330758.2); c.530G>T (NM_004168.2); short protein forms S177I, S129I.
Identifiers: ClinVar variation 1942474 (VCV001942474.7), dbSNP rs1553997783, ClinGen allele CA359010228.